The following is an entry in ClinVar:

NM_004273.5(CHST3):c.108C>G (p.Val36=)

Gene: CHST3 (carbohydrate sulfotransferase 3; plus strand). Cytogenetic location: 10q22.1.
Variant type: single nucleotide variant.
Coding change: c.108C>G on transcript NM_004273.5 (MANE Select); coding-DNA position 108, C replaced by G.
Protein change: p.Val36=; no amino-acid change (valine 36 retained).
Molecular consequence: synonymous variant.
Genome position (GRCh38, 1-based): chr10:72,005,950, C>G. VCF-style: chr10-72005950-C-G. GRCh37 (hg19) VCF-style: chr10-73765708-C-G.
Identifiers: ClinVar variation 776518 (VCV000776518.16), dbSNP rs77124584, ClinGen allele CA5548003.

ClinVar aggregate classification (germline): Benign/Likely benign. Review status: criteria provided, multiple submitters, no conflicts (2 of 4 stars). 4 submissions from 4 submitters: Benign (3); Likely benign (1). Last evaluated 2026-02-02.

Conditions:
Spondyloepiphyseal dysplasia with congenital joint dislocations (SEDCJD). Also called: Chondrodysplasia with Congenital Joint Dislocations, CHST3-Related. Identifiers: Orphanet 263463, MedGen C1837657, MONDO:0007738, OMIM 143095.
Larsen-like syndrome, B3GAT3 type. Also called: MULTIPLE JOINT DISLOCATIONS, SHORT STATURE, AND CRANIOFACIAL DYSMORPHISM WITH OR WITHOUT CONGENITAL HEART DEFECTS; Multiple joint dislocations, short stature, craniofacial dysmorphism, with or without congenital heart defects. Identifiers: Orphanet 284139, MedGen CN034159, MONDO:0009511, OMIM 245600.

Allele frequency attached by ClinVar (database versions not stated): gnomAD exomes 0.00067 and 0.00168; ExAC 0.00174; 1000 Genomes Project 30x 0.00437; 1000 Genomes Project 0.00459; ESP Exome Variant Server 0.00592; gnomAD 0.00629 and 0.00681; TOPMed 0.00709.
gnomAD v4.1: 1,989 of 1,613,854 alleles (0.12%); highest among the groups gnomAD compares: African/African-American, 2.3%; 26 homozygotes.

Submissions (4):

Labcorp Genetics (formerly Invitae), Labcorp
Classification: Benign for Spondyloepiphyseal dysplasia with congenital joint dislocations. Last evaluated: 2026-02-02. Review status: criteria provided, single submitter. Criteria: Invitae Variant Classification Sherloc (09022015). Collection method: clinical testing. Allele origin: germline.

Fulgent Genetics
Classification: Likely benign for Spondyloepiphyseal dysplasia with congenital joint dislocations; Larsen-like syndrome, B3GAT3 type. Last evaluated: 2021-09-27. Review status: criteria provided, single submitter. Criteria: ACMG Guidelines, 2015. Collection method: clinical testing. Allele origin: unknown.

Illumina Laboratory Services, Illumina
Classification: Benign for Spondyloepiphyseal dysplasia with congenital joint dislocations. Last evaluated: 2018-01-12. Review status: criteria provided, single submitter. Criteria: ICSL Variant Classification Criteria 13 December 2019. Collection method: clinical testing. Allele origin: germline.
Comment: This variant was observed in the ICSL laboratory as part of a predisposition screen in an ostensibly healthy population. It had not been previously curated by ICSL or reported in the Human Gene Mutation Database (HGMD: prior to June 1st, 2018), and was therefore a candidate for classification through an automated scoring system. Utilizing variant allele frequency, disease prevalence and penetrance estimates, and inheritance mode, an automated score was calculated to assess if this variant is too frequent to cause the disease. Based on the score and internal cut-off values, a variant classified as benign is not then subjected to further curation. The score for this variant resulted in a classification of benign for this disease.

Breakthrough Genomics
Classification: Benign. Review status: criteria provided, single submitter. Criteria: ACMG Guidelines, 2015. Collection method: not provided. Allele origin: germline. Inheritance: Autosomal recessive inheritance. Affected: yes.